The following is an entry in ClinVar:

NM_006947.4(SRP72):c.473A>G (p.Gln158Arg)

Gene: SRP72 (signal recognition particle 72; plus strand). Cytogenetic location: 4q12.
Variant type: single nucleotide variant.
Coding change: c.473A>G on transcript NM_006947.4 (MANE Select); coding-DNA position 473, A replaced by G.
Protein change: p.Gln158Arg; replaces glutamine 158 with arginine.
Molecular consequence: missense variant. On other transcripts: non-coding transcript variant (1).
Genome position (GRCh38, 1-based): chr4:56,474,172, A>G. VCF-style: chr4-56474172-A-G. GRCh37 (hg19) VCF-style: chr4-57340338-A-G.
Other names: c.473A>G, p.Gln158Arg (NM_001267722.2); short protein forms Q158R.
Identifiers: ClinVar variation 3801458 (VCV003801458.1).

ClinVar aggregate classification (germline): Uncertain significance (1 of 4 stars; one submission).

gnomAD v4.1: 7 of 1,614,248 alleles (0.00043%); highest among the groups gnomAD compares: Non-Finnish European, 0.00059%; no homozygotes.

Submission:

Ambry Genetics
Classification: Uncertain significance. Last evaluated: 2025-01-23. Review status: criteria provided, single submitter. Criteria: Ambry Variant Classification Scheme 2023. Collection method: clinical testing. Allele origin: germline.
Comment: The p.Q158R variant (also known as c.473A>G), located in coding exon 4 of the SRP72 gene, results from an A to G substitution at nucleotide position 473. The glutamine at codon 158 is replaced by arginine, an amino acid with highly similar properties. This amino acid position is conserved. In addition, this alteration is predicted to be tolerated by in silico analysis. Based on the available evidence, the clinical significance of this variant remains unclear.